The following is an entry in ClinVar:

ClinVar aggregate classification (germline): Uncertain significance (1 of 4 stars; one submission).

Allele frequency attached by ClinVar (database versions not stated): gnomAD 0.00001; TOPMed 0.00001; ESP Exome Variant Server 0.00008.

Submission:

Labcorp Genetics (formerly Invitae), Labcorp
Classification: Uncertain significance. Last evaluated: 2023-10-17. Review status: criteria provided, single submitter. Criteria: Invitae Variant Classification Sherloc (09022015). Collection method: clinical testing. Allele origin: germline.
Comment: This sequence change replaces arginine, which is basic and polar, with cysteine, which is neutral and slightly polar, at codon 304 of the PPOX protein (p.Arg304Cys). This variant is not present in population databases (gnomAD no frequency). This missense change has been observed in individual(s) with clinical features of porphyria (Invitae). Advanced modeling of protein sequence and biophysical properties (such as structural, functional, and spatial information, amino acid conservation, physicochemical variation, residue mobility, and thermodynamic stability) performed at Invitae indicates that this missense variant is not expected to disrupt PPOX protein function. Algorithms developed to predict the effect of sequence changes on RNA splicing suggest that this variant may disrupt the consensus splice site. In summary, the available evidence is currently insufficient to determine the role of this variant in disease. Therefore, it has been classified as a Variant of Uncertain Significance.

NM_001122764.3(PPOX):c.910C>T (p.Arg304Cys)

Gene: PPOX (protoporphyrinogen oxidase; plus strand). Cytogenetic location: 1q23.3.
Variant type: single nucleotide variant.
Coding change: c.910C>T on transcript NM_001122764.3 (MANE Select); coding-DNA position 910, C replaced by T.
Protein change: p.Arg304Cys; replaces arginine 304 with cysteine.
Molecular consequence: missense variant.
Genome position (GRCh38, 1-based): chr1:161,169,947, C>T. VCF-style: chr1-161169947-C-T. GRCh37 (hg19) VCF-style: chr1-161139737-C-T.
Other names: c.910C>T, p.Arg304Cys (NM_001365399.1, NM_000309.5, NM_001365398.1); c.502C>T, p.Arg168Cys (NM_001365400.1, NM_001350129.2); c.424C>T, p.Arg142Cys (NM_001365401.1, NM_001350130.2, NM_001350131.2); c.811C>T, p.Arg271Cys (NM_001350128.2); short protein forms R142C, R304C, R168C, R271C.
Identifiers: ClinVar variation 3011042 (VCV003011042.3), dbSNP rs369952731, ClinGen allele CA31636337.
Genomic context (GRCh38, chr1:161,169,947, plus strand): 5'-GCCTCTGCCTGATCTCTAGTGCTCAGTGAGCTGCTCCCTGCTGAGGCTGCCCCTCTGGCT[C>T]GTGCCCTGAGTGCCATCACTGCAGTGTCTGTAGCTGTGGTGAATCTGCAGTACCAAGGAG-3'
Protein context (NP_001116236.1, residues 294-314): LLPAEAAPLA[Arg304Cys]ALSAITAVSV